The following is an entry in ClinVar:

NM_002335.4(LRP5):c.662G>A (p.Arg221His)

Gene: LRP5 (LDL receptor related protein 5; plus strand). Cytogenetic location: 11q13.2.
Variant type: single nucleotide variant.
Coding change: c.662G>A on transcript NM_002335.4 (MANE Select); coding-DNA position 662, G replaced by A.
Protein change: p.Arg221His; replaces arginine 221 with histidine.
Molecular consequence: missense variant. On other transcripts: 5 prime UTR variant (1).
Genome position (GRCh38, 1-based): chr11:68,357,823, G>A. VCF-style: chr11-68357823-G-A. GRCh37 (hg19) VCF-style: chr11-68125291-G-A.
Other names: c.-1104G>A (NM_001291902.2); short protein forms R221H.
Identifiers: ClinVar variation 1370368 (VCV001370368.8), dbSNP rs751688462, ClinGen allele CA6149066.

ClinVar aggregate classification (germline): Uncertain significance. Review status: criteria provided, multiple submitters, no conflicts (2 of 4 stars). 3 submissions from 3 submitters: Uncertain significance (3). Last evaluated 2023-12-28.

Conditions:
Bone mineral density quantitative trait locus 1 (BMND1). Identifiers: MedGen C1866079, OMIM 601884.
Autosomal dominant osteopetrosis 1 (OPTA1). Also called: OSTEOPETROSIS, AUTOSOMAL DOMINANT, TYPE I. Identifiers: Orphanet 2783, MedGen C1843330, MONDO:0011877, OMIM 607634.
Osteoporosis with pseudoglioma (OPPG). Also called: osteoporosis-pseudoglioma syndrome. Identifiers: Orphanet 2788, MedGen C0432252, MONDO:0009820, OMIM 259770.
Worth disease. Also called: ENDOSTEAL HYPEROSTOSIS, AUTOSOMAL DOMINANT; Autosomal dominant osteosclerosis, Worth type; OSTEOSCLEROSIS, AUTOSOMAL DOMINANT. Identifiers: Orphanet 2790, MedGen C0432273, MONDO:0007764, OMIM 144750.
Polycystic liver disease 4 with or without kidney cysts. Identifiers: MedGen C4693479, MONDO:0044327, OMIM 617875.
Exudative vitreoretinopathy 4 (EVR4). Identifiers: Orphanet 891, MedGen C1866176, MONDO:0011151, OMIM 601813.

Allele frequency attached by ClinVar (database versions not stated): gnomAD exomes below 0.00001; ExAC 0.00001; TOPMed 0.00001.
gnomAD v4.1: 15 of 1,613,290 alleles (0.00093%); highest among the groups gnomAD compares: Non-Finnish European, 0.0011%; no homozygotes.

Submissions (3):

Fulgent Genetics
Classification: Uncertain significance for Worth disease; Osteoporosis with pseudoglioma; Exudative vitreoretinopathy 4; Bone mineral density quantitative trait locus 1; Autosomal dominant osteopetrosis 1; Polycystic liver disease 4 with or without kidney cysts. Last evaluated: 2023-12-28. Review status: criteria provided, single submitter. Criteria: ACMG Guidelines, 2015. Collection method: clinical testing. Allele origin: germline.

Blueprint Genetics
Classification: Uncertain significance. Last evaluated: 2023-11-07. Review status: criteria provided, single submitter. Criteria: ACMG Guidelines, 2015. Collection method: clinical testing. Allele origin: germline.

Labcorp Genetics (formerly Invitae), Labcorp
Classification: Uncertain significance. Last evaluated: 2022-03-09. Review status: criteria provided, single submitter. Criteria: Invitae Variant Classification Sherloc (09022015). Collection method: clinical testing. Allele origin: germline.
Comment: In summary, the available evidence is currently insufficient to determine the role of this variant in disease. Therefore, it has been classified as a Variant of Uncertain Significance. Advanced modeling of protein sequence and biophysical properties (such as structural, functional, and spatial information, amino acid conservation, physicochemical variation, residue mobility, and thermodynamic stability) performed at Invitae indicates that this missense variant is expected to disrupt LRP5 protein function. This variant has not been reported in the literature in individuals affected with LRP5-related conditions. This variant is present in population databases (rs751688462, gnomAD 0.003%). This sequence change replaces arginine, which is basic and polar, with histidine, which is basic and polar, at codon 221 of the LRP5 protein (p.Arg221His).